The following is an entry in ClinVar:

ClinVar aggregate classification (germline): Benign. Review status: criteria provided, multiple submitters, no conflicts (2 of 4 stars). 2 submissions from 2 submitters: Benign (2). Last evaluated 2018-01-13.

Conditions:
Hereditary coproporphyria (HCP). Also called: Hereditary coproporphyria porphyria; Porphyria hepatica coproporphyria; Porphyria hepatica II; CPRO deficiency; COPROPORPHYRINOGEN OXIDASE DEFICIENCY; CPO DEFICIENCY. Identifiers: Orphanet 79273, MedGen C0162531, MONDO:0007369, OMIM 121300.

Allele frequency attached by ClinVar (database versions not stated): gnomAD exomes 0.00252; 1000 Genomes Project 0.00280; gnomAD 0.00308 and 0.00330; 1000 Genomes Project 30x 0.00312; TOPMed 0.00354.
gnomAD v4.1: 3,531 of 1,368,626 alleles (0.26%); highest among the groups gnomAD compares: African/African-American, 0.66%; 8 homozygotes.

Submissions (2):

Illumina Laboratory Services, Illumina
Classification: Benign for Hereditary coproporphyria. Last evaluated: 2018-01-13. Review status: criteria provided, single submitter. Criteria: ICSL Variant Classification Criteria 13 December 2019. Collection method: clinical testing. Allele origin: germline.
Comment: This variant was observed in the ICSL laboratory as part of a predisposition screen in an ostensibly healthy population. It had not been previously curated by ICSL or reported in the Human Gene Mutation Database (HGMD: prior to June 1st, 2018), and was therefore a candidate for classification through an automated scoring system. Utilizing variant allele frequency, disease prevalence and penetrance estimates, and inheritance mode, an automated score was calculated to assess if this variant is too frequent to cause the disease. Based on the score and internal cut-off values, a variant classified as benign is not then subjected to further curation. The score for this variant resulted in a classification of benign for this disease.

Breakthrough Genomics
Classification: Benign. Review status: criteria provided, single submitter. Criteria: ACMG Guidelines, 2015. Collection method: not provided. Allele origin: germline. Inheritance: Autosomal recessive inheritance. Affected: yes.

NM_000097.7(CPOX):c.*227G>A

Gene: CPOX (coproporphyrinogen oxidase; minus strand). Cytogenetic location: 3q11.2.
Variant type: single nucleotide variant.
Coding change: c.*227G>A on transcript NM_000097.7 (MANE Select); 227 bases downstream of the stop codon, G replaced by A.
Molecular consequence: 3 prime UTR variant.
Genome position (GRCh38, 1-based): chr3:98,580,456, C>T on the plus strand (G>A on the coding strand, the complement: CPOX is on the minus strand). VCF-style: chr3-98580456-C-T. GRCh37 (hg19) VCF-style: chr3-98299300-C-T.
Other names: c.*227G>A (LRG_1077t1).
Identifiers: ClinVar variation 346965 (VCV000346965.6), dbSNP rs146214523, ClinGen allele CA10619757.